The following is an entry in ClinVar:

NM_022132.5(MCCC2):c.1465C>T (p.Gln489Ter)

Gene: MCCC2 (methylcrotonyl-CoA carboxylase subunit 2; plus strand). Cytogenetic location: 5q13.2.
Variant type: single nucleotide variant.
Coding change: c.1465C>T on transcript NM_022132.5 (MANE Select); coding-DNA position 1465, C replaced by T.
Protein change: p.Gln489Ter; replaces glutamine 489 with a stop codon.
Molecular consequence: nonsense.
Genome position (GRCh38, 1-based): chr5:71,650,160, C>T. VCF-style: chr5-71650160-C-T. GRCh37 (hg19) VCF-style: chr5-70945987-C-T.
Other names: c.1351C>T, p.Gln451Ter (NM_001363147.1); short protein forms Q451*, Q489*.
Identifiers: ClinVar variation 5006921 (VCV005006921.2).

ClinVar aggregate classification (germline): Pathogenic (1 of 4 stars; one submission).

Conditions:
3-methylcrotonyl-CoA carboxylase 2 deficiency. Also called: METHYLCROTONYLGLYCINURIA, TYPE II; 3 alpha methylcrotonyl-CoA carboxylase 2 deficiency; 3 alpha methylcrotonylglycinuria 2; MCC 2 deficiency; Methylcrotonylglycinuria type 2. Identifiers: Orphanet 6, MedGen C1859499, MONDO:0008862, OMIM 210210.

Submission:

Juno Genomics, Hangzhou Juno Genomics, Inc
Classification: Pathogenic for 3-methylcrotonyl-CoA carboxylase 2 deficiency. Review status: criteria provided, single submitter. Criteria: ACMG Guidelines, 2015. Collection method: clinical testing. Allele origin: germline.
Comment: Null variant in a gene where loss of function (LOF) is a known mechanism of disease.;Absent from controls (or at extremely low frequency if recessive) in Genome Aggregation Database.;Patient's phenotype or family history is highly specific for a disease with a single genetic etiology.